The following is an entry in ClinVar:

ClinVar aggregate classification (germline): Likely pathogenic. Review status: criteria provided, single submitter (1 of 4 stars). 3 submissions from 3 submitters: Likely pathogenic (1). 2 of the submissions do not count toward it. Last evaluated 2022-02-18.

Conditions:
Tuberous sclerosis syndrome (TSC). Also called: Tuberous Sclerosis Complex; Tuberous sclerosis. Identifiers: Orphanet 805, MedGen C0041341, MONDO:0001734.
Tuberous sclerosis 2 (TSC2). Identifiers: Orphanet 805, MedGen C1860707, MONDO:0013199, OMIM 613254.
Everolimus response.

Submissions (3):

Labcorp Genetics (formerly Invitae), Labcorp
Classification: Likely pathogenic for Tuberous sclerosis 2. Last evaluated: 2022-02-18. Review status: criteria provided, single submitter. Criteria: Invitae Variant Classification Sherloc (09022015). Collection method: clinical testing. Allele origin: germline.
Comment: Experimental studies have shown that this missense change affects TSC2 function (PMID: 22903760). In summary, the currently available evidence indicates that the variant is pathogenic, but additional data are needed to prove that conclusively. Therefore, this variant has been classified as Likely Pathogenic. This variant disrupts the p.His1620 amino acid residue in TSC2. Other variant(s) that disrupt this residue have been determined to be pathogenic (PMID: 10533067, 16114042). This suggests that this residue is clinically significant, and that variants that disrupt this residue are likely to be disease-causing. Advanced modeling of protein sequence and biophysical properties (such as structural, functional, and spatial information, amino acid conservation, physicochemical variation, residue mobility, and thermodynamic stability) performed at Invitae indicates that this missense variant is expected to disrupt TSC2 protein function. ClinVar contains an entry for this variant (Variation ID: 65243). This variant has not been reported in the literature in individuals affected with TSC2-related conditions. This variant is not present in population databases (gnomAD no frequency). This sequence change replaces histidine, which is basic and polar, with arginine, which is basic and polar, at codon 1620 of the TSC2 protein (p.His1620Arg).

Division of Hematology/Oncology, Florida, Mayo Clinic
Classification: drug response for Everolimus response. Last evaluated: 2017-01-01. Review status: no assertion criteria provided. Collection method: clinical testing. Allele origin: somatic. Inheritance: Autosomal dominant inheritance. Affected: yes. Observed: 1 variant allele, 1 heterozygote. Not counted in ClinVar's aggregate classification.
Comment: Everolimus, an oral inhibitor of the mammalian target of rapamycin (mTOR) pathway, is currently approved for treatment of advanced renal-cell carcinoma (RCC) after failure of initial treatment with the tyrosine kinase inhibitors. Patients with tuberous sclerosis complex (TSC) syndrome can also develop RCC primarily mediated through mTOR signaling. However, the efficacy and duration of response of mTOR inhibition in patients with TSC-associated RCC is not well known. Furthermore, the alteration H1620R in exon 37 resulting in a missense mutation is likely deleterious given our findings and previous analyses of the TSC2 gene.

Tuberous sclerosis database (TSC2)
No classification provided. Condition: TSC. Review status: no classification provided. Criteria: Tuberous Sclerosis Database Assertion Criteria 2015. Collection method: curation. Allele origin: germline. Affected: yes. Not counted in ClinVar's aggregate classification.

Literature cited by the submitters: PubMed 22903760 (cited by Labcorp Genetics (formerly Invitae), Labcorp); PubMed 10533067 (cited by Labcorp Genetics (formerly Invitae), Labcorp); PubMed 16114042 (cited by Labcorp Genetics (formerly Invitae), Labcorp).

NM_000548.5(TSC2):c.4859A>G (p.His1620Arg)

Gene: TSC2 (TSC complex subunit 2; plus strand). Cytogenetic location: 16p13.3.
Variant type: single nucleotide variant.
Coding change: c.4859A>G on transcript NM_000548.5 (MANE Select); coding-DNA position 4859, A replaced by G.
Protein change: p.His1620Arg; replaces histidine 1620 with arginine.
Molecular consequence: missense variant.
Genome position (GRCh38, 1-based): chr16:2,086,741, A>G. VCF-style: chr16-2086741-A-G. GRCh37 (hg19) VCF-style: chr16-2136742-A-G.
Other names: c.4658A>G, p.His1553Arg (NM_001077183.3); c.4790A>G, p.His1597Arg (NM_001114382.3); c.4550A>G, p.His1517Arg (NM_001318827.2); c.4514A>G, p.His1505Arg (NM_001318829.2); c.4127A>G, p.His1376Arg (NM_001318831.2); c.4691A>G, p.His1564Arg (NM_001318832.2); c.4661A>G, p.His1554Arg (NM_001363528.2); c.4727A>G, p.His1576Arg (NM_001370404.1); and 1 more; short protein forms H1620R, H1553R, H1505R, H1517R, H1576R, H1577R, H1376R, H1554R.
Identifiers: ClinVar variation 65243 (VCV000065243.7), dbSNP rs397515177, ClinGen allele CA021150.